The following is an entry in ClinVar:

NM_138638.5(CFL2):c.452A>G (p.Glu151Gly)

Gene: CFL2 (cofilin 2; minus strand). Cytogenetic location: 14q13.1.
Variant type: single nucleotide variant.
Coding change: c.452A>G on transcript NM_138638.5 (MANE Select); coding-DNA position 452, A replaced by G.
Protein change: p.Glu151Gly; replaces glutamic acid 151 with glycine.
Molecular consequence: missense variant. On other transcripts: non-coding transcript variant (2).
Genome position (GRCh38, 1-based): chr14:34,712,914, T>C on the plus strand (A>G on the coding strand, the complement: CFL2 is on the minus strand). VCF-style: chr14-34712914-T-C. GRCh37 (hg19) VCF-style: chr14-35182120-T-C.
Other names: c.401A>G, p.Glu134Gly (NM_001243645.2); c.452A>G, p.Glu151Gly (NM_021914.8); short protein forms E134G, E151G.
Identifiers: ClinVar variation 1428070 (VCV001428070.8), dbSNP rs2138473087, ClinGen allele CA389420909.

ClinVar aggregate classification (germline): Uncertain significance (1 of 4 stars; one submission).

Conditions:
Nemaline myopathy 7 (NEM7). Also called: Nemaline myopathy 7, autosomal recessive. Identifiers: Orphanet 171436, MedGen C1853154, MONDO:0012538, OMIM 610687.

Submission:

Labcorp Genetics (formerly Invitae), Labcorp
Classification: Uncertain significance for Nemaline myopathy 7. Last evaluated: 2022-08-16. Review status: criteria provided, single submitter. Criteria: Invitae Variant Classification Sherloc (09022015). Collection method: clinical testing. Allele origin: germline.
Comment: ClinVar contains an entry for this variant (Variation ID: 1428070). Algorithms developed to predict the effect of missense changes on protein structure and function are either unavailable or do not agree on the potential impact of this missense change (SIFT: "Deleterious"; PolyPhen-2: "Benign"; Align-GVGD: "Class C15"). In summary, the available evidence is currently insufficient to determine the role of this variant in disease. Therefore, it has been classified as a Variant of Uncertain Significance. This variant has not been reported in the literature in individuals affected with CFL2-related conditions. This variant is not present in population databases (gnomAD no frequency). This sequence change replaces glutamic acid, which is acidic and polar, with glycine, which is neutral and non-polar, at codon 151 of the CFL2 protein (p.Glu151Gly).